The following is an entry in ClinVar:

NM_182961.4(SYNE1):c.23696C>T (p.Thr7899Ile)

Gene: SYNE1 (spectrin repeat containing nuclear envelope protein 1; minus strand). Cytogenetic location: 6q25.2.
Variant type: single nucleotide variant.
Coding change: c.23696C>T on transcript NM_182961.4 (MANE Select); coding-DNA position 23696, C replaced by T.
Protein change: p.Thr7899Ile; replaces threonine 7899 with isoleucine.
Molecular consequence: missense variant.
Genome position (GRCh38, 1-based): chr6:152,164,257, G>A on the plus strand (C>T on the coding strand, the complement: SYNE1 is on the minus strand). VCF-style: chr6-152164257-G-A. GRCh37 (hg19) VCF-style: chr6-152485392-G-A.
Other names: c.302C>T, p.Thr101Ile (NM_001347701.2); c.161C>T, p.Thr54Ile (NM_001347702.2); c.23483C>T, p.Thr7828Ile (NM_033071.5); short protein forms T101I, T7899I, T54I, T7828I.
Identifiers: ClinVar variation 906339 (VCV000906339.7), dbSNP rs757122298, ClinGen allele CA4053390.

ClinVar aggregate classification (germline): Uncertain significance. Review status: criteria provided, multiple submitters, no conflicts (2 of 4 stars). 3 submissions from 2 submitters: Uncertain significance (3). Last evaluated 2023-08-04.

Conditions:
Emery-Dreifuss muscular dystrophy 4, autosomal dominant (EDMD4). Also called: EMERY-DREIFUSS MUSCULAR DYSTROPHY 4 WITH VARIABLE FEATURES. Identifiers: Orphanet 261, MedGen C2751807, MONDO:0013071, OMIM 612998.
Autosomal recessive ataxia, Beauce type. Also called: ATAXIA, RECESSIVE, OF BEAUCE; SYNE1 Deficiency; SYNE1-Related Autosomal Recessive Cerebellar Ataxia; Spinocerebellar ataxia, autosomal recessive 8. Identifiers: Orphanet 88644, MedGen C1853116, MONDO:0012549, OMIM 610743.

Allele frequency attached by ClinVar (database versions not stated): gnomAD exomes below 0.00001; ExAC 0.00001.
gnomAD v4.1: 2 of 1,614,162 alleles (0.00012%); highest among the groups gnomAD compares: Non-Finnish European, 0.00017%; no homozygotes.

Submissions (3):

Labcorp Genetics (formerly Invitae), Labcorp
Classification: Uncertain significance for Emery-Dreifuss muscular dystrophy 4, autosomal dominant; Autosomal recessive ataxia, Beauce type. Last evaluated: 2023-08-04. Review status: criteria provided, single submitter. Criteria: Invitae Variant Classification Sherloc (09022015). Collection method: clinical testing. Allele origin: germline.
Comment: In summary, the available evidence is currently insufficient to determine the role of this variant in disease. Therefore, it has been classified as a Variant of Uncertain Significance. An algorithm developed to predict the effect of missense changes on protein structure and function (PolyPhen-2) suggests that this variant¬¨‚Ä†is likely to be tolerated. ClinVar contains an entry for this variant (Variation ID: 906339). This variant has not been reported in the literature in individuals affected with SYNE1-related conditions. This variant is present in population databases (rs757122298, gnomAD 0.0009%). This sequence change replaces threonine, which is neutral and polar, with isoleucine, which is neutral and non-polar, at codon 7828 of the SYNE1 protein (p.Thr7828Ile).

Illumina Laboratory Services, Illumina
Classification: Uncertain significance for Autosomal recessive ataxia, Beauce type. Last evaluated: 2018-01-13. Review status: criteria provided, single submitter. Criteria: ICSL Variant Classification Criteria 13 December 2019. Collection method: clinical testing. Allele origin: germline.

Illumina Laboratory Services, Illumina
Classification: Uncertain significance for Emery-Dreifuss muscular dystrophy 4, autosomal dominant. Last evaluated: 2018-01-13. Review status: criteria provided, single submitter. Criteria: ICSL Variant Classification Criteria 13 December 2019. Collection method: clinical testing. Allele origin: germline.